The following is an entry in ClinVar:

ClinVar aggregate classification (germline): Pathogenic (1 of 4 stars; one submission).

Conditions:
Tuberous sclerosis 1 (TSC1). Identifiers: Orphanet 805, MedGen C1854465, MONDO:0008612, OMIM 191100.

Submission:

Labcorp Genetics (formerly Invitae), Labcorp
Classification: Pathogenic for Tuberous sclerosis 1. Last evaluated: 2023-03-09. Review status: criteria provided, single submitter. Criteria: Invitae Variant Classification Sherloc (09022015). Collection method: clinical testing. Allele origin: germline.
Comment: This variant is not present in population databases (gnomAD no frequency). This variant has not been reported in the literature in individuals affected with TSC1-related conditions. For these reasons, this variant has been classified as Pathogenic. This sequence change creates a premature translational stop signal (p.Asp15Thrfs*11) in the TSC1 gene. It is expected to result in an absent or disrupted protein product. Loss-of-function variants in TSC1 are known to be pathogenic (PMID: 10227394, 17304050).

Literature cited by the submitters: PubMed 10227394; PubMed 17304050.

NM_000368.5(TSC1):c.43del (p.Asp15fs)

Gene: TSC1 (TSC complex subunit 1; minus strand). Cytogenetic location: 9q34.13.
Variant type: Deletion.
Coding change: c.43del on transcript NM_000368.5 (MANE Select); coding-DNA position 43, one base deleted (G; older notation c.43delG).
Protein change: p.Asp15fs; shifts the reading frame from aspartic acid 15.
Molecular consequence: frameshift variant. On other transcripts: 5 prime UTR variant (16), non-coding transcript variant (5), intron variant (2).
Genome position (GRCh38, 1-based): chr9:132,928,830, C deleted on the plus strand (G on the coding strand, the reverse complement: TSC1 is on the minus strand); the first of 2 consecutive C bases (chr9:132,928,830-132,928,831); deleting either gives the same sequence. VCF-style (leftmost placement, unchanged base first): chr9-132928829-TC-T. GRCh37 (hg19) VCF-style: chr9-135804216-TC-T.
Other names: c.43del, p.Asp15fs (NM_001162426.2, NM_001162427.2, NM_001406592.1 and 21 more transcripts); c.-217del (NM_001362177.2, NM_001406617.1, NM_001406619.1 and 3 more transcripts); c.-309del (NM_001406614.1); c.-446del (NM_001406615.1, NM_001406623.1); c.-413del (NM_001406616.1, NM_001406624.1); c.-835del (NM_001406626.1, NM_001406627.1, NM_001406628.1); c.-977del (NM_001406629.1); c.-1051del (NM_001406630.1); and 1 more; short protein forms D15fs.
Identifiers: ClinVar variation 2844396 (VCV002844396.3), dbSNP rs2539145187, ClinGen allele CA2739265181.
Genomic context (GRCh38, chr9:132,928,829, plus strand): 5'-GAATTGAGGTTCTCTTTAAAGACAGCTGTCACGTCGTCCCGCACACCCAGCATGGGGGAG[TC>T]CAGCATGGCAAGAAGCTCCCCGACATTTGCTTGTTGGGCCATTCTCTCGCTCGAAGGCGC-3'